The following is an entry in ClinVar:

ClinVar aggregate classification (germline): Conflicting classifications of pathogenicity. Review status: criteria provided, conflicting classifications (1 of 4 stars). 2 submissions from 2 submitters: Uncertain significance (1); Likely benign (1). Last evaluated 2024-09-05.

Conditions:
Shprintzen-Goldberg syndrome (SGS). Also called: SHPRINTZEN-GOLDBERG CRANIOSYNOSTOSIS SYNDROME; CRANIOSYNOSTOSIS WITH ARACHNODACTYLY AND ABDOMINAL HERNIAS; Marfanoid disorder with craniosynostosis type 1; Marfanoid craniosynostosis syndrome; Shprintzen-Goldberg marfanoid syndrome. Identifiers: Orphanet 2462, MedGen C1321551, MONDO:0008426, OMIM 182212.

Submissions (2):

Labcorp Genetics (formerly Invitae), Labcorp
Classification: Uncertain significance for Shprintzen-Goldberg syndrome. Last evaluated: 2024-09-05. Review status: criteria provided, single submitter. Criteria: Invitae Variant Classification Sherloc (09022015). Collection method: clinical testing. Allele origin: germline.
Comment: This variant, c.191_196dup, results in the insertion of 2 amino acid(s) of the SKI protein (p.Val64_Pro65dup), but otherwise preserves the integrity of the reading frame. This variant is present in population databases (no rsID available, gnomAD no frequency). This variant has not been reported in the literature in individuals affected with SKI-related conditions. ClinVar contains an entry for this variant (Variation ID: 409976). In summary, the available evidence is currently insufficient to determine the role of this variant in disease. Therefore, it has been classified as a Variant of Uncertain Significance.

GeneDx
Classification: Likely benign. Last evaluated: 2019-09-13. Review status: criteria provided, single submitter. Criteria: GeneDx Variant Classification Process June 2021. Collection method: clinical testing. Allele origin: germline. Affected: yes.

NM_003036.4(SKI):c.191_196dup (p.Val64_Pro65dup)

Gene: SKI (SKI proto-oncogene; plus strand). Cytogenetic location: 1p36.33.
Variant type: Duplication.
Coding change: c.191_196dup on transcript NM_003036.4 (MANE Select); coding-DNA positions 191 to 196, 6 bases duplicated (TGCCCG; older notation c.191_196dupTGCCCG).
Protein change: p.Val64_Pro65dup.
Molecular consequence: inframe insertion.
Genome position (GRCh38, 1-based): chr1:2,228,957-2,228,962, TGCCCG duplicated; duplicating any 6 consecutive bases within chr1:2,228,956-2,228,962 gives the same sequence; the c. name uses the placement nearest the transcript's 3' end. VCF-style (leftmost placement, unchanged base first): chr1-2228955-G-GGTGCCC. GRCh37 (hg19) VCF-style: chr1-2160394-G-GGTGCCC.
Identifiers: ClinVar variation 409976 (VCV000409976.10), dbSNP rs1553189874, ClinGen allele CA16610020.